The following is an entry in ClinVar:

ClinVar aggregate classification (germline): Uncertain significance. Review status: criteria provided, multiple submitters, no conflicts (2 of 4 stars). 2 submissions from 2 submitters: Uncertain significance (2). Last evaluated 2024-11-22.

gnomAD v4.1: 5 of 1,612,816 alleles (0.00031%); highest among the groups gnomAD compares: African/African-American, 0.0013%; no homozygotes.

Submissions (2):

Labcorp Genetics (formerly Invitae), Labcorp
Classification: Uncertain significance. Last evaluated: 2024-11-22. Review status: criteria provided, single submitter. Criteria: Invitae Variant Classification Sherloc (09022015). Collection method: clinical testing. Allele origin: germline.
Comment: This sequence change replaces arginine, which is basic and polar, with glutamine, which is neutral and polar, at codon 348 of the LRP5 protein (p.Arg348Gln). This variant is present in population databases (rs765237837, gnomAD 0.002%). This missense change has been observed in individual(s) with familial exudative vitreoretinopathy (PMID: 31237656). Invitae Evidence Modeling of protein sequence and biophysical properties (such as structural, functional, and spatial information, amino acid conservation, physicochemical variation, residue mobility, and thermodynamic stability) has been performed for this missense variant. However, the output from this modeling did not meet the statistical confidence thresholds required to predict the impact of this variant on LRP5 protein function. This variant disrupts the p.Arg348 amino acid residue in LRP5. Other variant(s) that disrupt this residue have been determined to be pathogenic (PMID: 27228167). This suggests that this residue is clinically significant, and that variants that disrupt this residue are likely to be disease-causing. In summary, the available evidence is currently insufficient to determine the role of this variant in disease. Therefore, it has been classified as a Variant of Uncertain Significance.

GeneDx
Classification: Uncertain significance. Last evaluated: 2023-08-28. Review status: criteria provided, single submitter. Criteria: GeneDx Variant Classification Process June 2021. Collection method: clinical testing. Allele origin: germline. Affected: yes.
Comment: In silico analysis supports that this missense variant does not alter protein structure/function; This variant is associated with the following publications: (PMID: 31299183, 31237656)

Literature cited by the submitters: PubMed 31237656 (cited by Labcorp Genetics (formerly Invitae), Labcorp); PubMed 27228167 (cited by Labcorp Genetics (formerly Invitae), Labcorp).

NM_002335.4(LRP5):c.1043G>A (p.Arg348Gln)

Gene: LRP5 (LDL receptor related protein 5; plus strand). Cytogenetic location: 11q13.2.
Variant type: single nucleotide variant.
Coding change: c.1043G>A on transcript NM_002335.4 (MANE Select); coding-DNA position 1043, G replaced by A.
Protein change: p.Arg348Gln; replaces arginine 348 with glutamine.
Molecular consequence: missense variant. On other transcripts: 5 prime UTR variant (1).
Genome position (GRCh38, 1-based): chr11:68,386,343, G>A. VCF-style: chr11-68386343-G-A. GRCh37 (hg19) VCF-style: chr11-68153811-G-A.
Other names: c.-723G>A (NM_001291902.2); short protein forms R348Q.
Identifiers: ClinVar variation 3340780 (VCV003340780.3).
Genomic context (GRCh38, chr11:68,386,343, plus strand): 5'-TGACCCCTGACCCCATTGCACCTGTCTCCACAGGAGCCGAGGAGGTGCTGCTGCTGGCCC[G>A]GCGGACGGACCTACGGAGGATCTCGCTGGACACGCCGGACTTCACCGACATCGTGCTGCA-3'
Protein context (NP_002326.2, residues 338-358): AGAEEVLLLA[Arg348Gln]RTDLRRISLD